The following is an entry in ClinVar:

ClinVar aggregate classification (germline): Conflicting classifications of pathogenicity. Review status: criteria provided, conflicting classifications (1 of 4 stars). 2 submissions from 2 submitters: Uncertain significance (1); Likely benign (1). Last evaluated 2024-12-23.

Conditions:
Inborn genetic diseases. Identifiers: MedGen C0950123, MeSH D030342.
Kabuki syndrome 2 (KABUK2). Also called: KDM6A-Related Kabuki Syndrome. Identifiers: Orphanet 2322, MedGen C3275495, MONDO:0010465, OMIM 300867.

gnomAD v4.1: 4 of 1,209,825 alleles (0.00033%); highest among the groups gnomAD compares: Middle Eastern, 0.023%; no homozygotes.

Submissions (2):

Ambry Genetics
Classification: Likely benign for Inborn genetic diseases. Last evaluated: 2024-12-23. Review status: criteria provided, single submitter. Criteria: Ambry Variant Classification Scheme 2023. Collection method: clinical testing. Allele origin: germline.

Labcorp Genetics (formerly Invitae), Labcorp
Classification: Uncertain significance for Kabuki syndrome 2. Last evaluated: 2024-07-16. Review status: criteria provided, single submitter. Criteria: Invitae Variant Classification Sherloc (09022015). Collection method: clinical testing. Allele origin: germline.
Comment: This sequence change replaces arginine, which is basic and polar, with cysteine, which is neutral and slightly polar, at codon 559 of the KDM6A protein (p.Arg559Cys). This variant is present in population databases (rs761667415, gnomAD 0.02%). This variant has not been reported in the literature in individuals affected with KDM6A-related conditions. Advanced modeling of protein sequence and biophysical properties (such as structural, functional, and spatial information, amino acid conservation, physicochemical variation, residue mobility, and thermodynamic stability) performed at Invitae indicates that this missense variant is not expected to disrupt KDM6A protein function with a negative predictive value of 80%. In summary, the available evidence is currently insufficient to determine the role of this variant in disease. Therefore, it has been classified as a Variant of Uncertain Significance.

NM_001291415.2(KDM6A):c.1831C>T (p.Arg611Cys)

Gene: KDM6A (lysine demethylase 6A; plus strand). Cytogenetic location: Xp11.3.
Variant type: single nucleotide variant.
Coding change: c.1831C>T on transcript NM_001291415.2 (MANE Select); coding-DNA position 1831, C replaced by T.
Protein change: p.Arg611Cys; replaces arginine 611 with cysteine.
Molecular consequence: missense variant. On other transcripts: non-coding transcript variant (1).
Genome position (GRCh38, 1-based): chrX:45,063,569, C>T. VCF-style: chrX-45063569-C-T. GRCh37 (hg19) VCF-style: chrX-44922814-C-T.
Other names: c.1573C>T, p.Arg525Cys (NM_001410742.1, NM_001419814.1); c.1831C>T, p.Arg611Cys (NM_001419809.1); c.1729C>T, p.Arg577Cys (NM_001419810.1, NM_001419813.1); c.1696C>T, p.Arg566Cys (NM_001419811.1, NM_001291416.2); c.1675C>T, p.Arg559Cys (NM_001419812.1, NM_021140.4); c.1438C>T, p.Arg480Cys (NM_001419815.1, NM_001291418.2); c.1540C>T, p.Arg514Cys (NM_001291417.2); c.787C>T, p.Arg263Cys (NM_001291421.2); and 1 more; short protein forms R263C, R480C, R514C, R525C, R559C, R566C, R577C, R611C.
Identifiers: ClinVar variation 3621631 (VCV003621631.3).